The following is an entry in ClinVar:

ClinVar aggregate classification (germline): Uncertain significance. Review status: criteria provided, multiple submitters, no conflicts (2 of 4 stars). 2 submissions from 2 submitters: Uncertain significance (2). Last evaluated 2026-09-01.

Conditions:
Inborn genetic diseases. Identifiers: MedGen C0950123, MeSH D030342.

gnomAD v4.1: 9 of 1,614,030 alleles (0.00056%); highest among the groups gnomAD compares: Non-Finnish European, 0.00076%; no homozygotes.

Submissions (2):

CeGaT Center for Human Genetics Tuebingen
Classification: Uncertain significance. Last evaluated: 2026-09-01. Review status: criteria provided, single submitter. Criteria: CeGaT Center For Human Genetics Tuebingen Variant Classification Criteria Version 2. Collection method: clinical testing. Allele origin: germline. Affected: yes. Observed: 1 variant allele.
Comment: NLRP1: PM2, BP4

Ambry Genetics
Classification: Uncertain significance for Inborn genetic diseases. Last evaluated: 2025-08-30. Review status: criteria provided, single submitter. Criteria: Ambry Variant Classification Scheme 2023. Collection method: clinical testing. Allele origin: germline.

NM_033004.4(NLRP1):c.4258A>T (p.Asn1420Tyr)

Gene: NLRP1 (NLR family pyrin domain containing 1; minus strand). Cytogenetic location: 17p13.2.
Variant type: single nucleotide variant.
Coding change: c.4258A>T on transcript NM_033004.4 (MANE Select); coding-DNA position 4258, A replaced by T.
Protein change: p.Asn1420Tyr; replaces asparagine 1420 with tyrosine.
Molecular consequence: missense variant. On other transcripts: intron variant (1).
Genome position (GRCh38, 1-based): chr17:5,514,918, T>A on the plus strand (A>T on the coding strand, the complement: NLRP1 is on the minus strand). VCF-style: chr17-5514918-T-A. GRCh37 (hg19) VCF-style: chr17-5418238-T-A.
Other names: c.4126A>T, p.Asn1376Tyr (NM_014922.5); c.4168A>T, p.Asn1390Tyr (NM_033006.4); c.4036A>T, p.Asn1346Tyr (NM_033007.4); c.4069+2828A>T (NM_001033053.3); short protein forms N1346Y, N1390Y, N1376Y, N1420Y.
Identifiers: ClinVar variation 4120535 (VCV004120535.2).